The following is an entry in ClinVar:

NM_003193.5(TBCE):c.1529del (p.Lys510fs)

Genes: B3GALNT2 (beta-1,3-N-acetylgalactosaminyltransferase 2; minus strand), TBCE (tubulin folding cofactor E; plus strand). Cytogenetic location: 1q42.3.
Variant type: Deletion.
Coding change: c.1529del on transcript NM_003193.5 (MANE Select); coding-DNA position 1529, one base deleted (A; older notation c.1529delA).
Protein change: p.Lys510fs; shifts the reading frame from lysine 510.
Molecular consequence: frameshift variant. On other transcripts: 3 prime UTR variant (1).
Genome position (GRCh38, 1-based): chr1:235,448,707, A deleted; the last of 3 consecutive A bases (chr1:235,448,705-235,448,707); deleting any one gives the same sequence. VCF-style (leftmost placement, unchanged base first): chr1-235448704-TA-T. GRCh37 (hg19) VCF-style: chr1-235612019-TA-T.
Other names: c.1529del, p.Lys510fs (NM_001079515.3); c.1682del, p.Lys561fs (NM_001287801.2); c.1190del, p.Lys397fs (NM_001287802.2); c.*1501del (NM_152490.5); short protein forms K397fs, K510fs, K561fs.
Identifiers: ClinVar variation 4874565 (VCV004874565.2).
Genomic context (GRCh38, chr1:235,448,704, plus strand): 5'-CTTCCCCACCTTCGTTCTAATTTTAGAAGCCGGGCAGAGAAATCGAGCTGGAAAATGACC[TA>T]AAGTCATTACAGTTTTATTCTGTGGAAAATGGAGATTGTCTATTAGTGCGATGGTGACAA-3'

ClinVar aggregate classification (germline): Likely pathogenic (1 of 4 stars; one submission).

Submission:

CeGaT Center for Human Genetics Tuebingen
Classification: Likely pathogenic. Last evaluated: 2026-06-01. Review status: criteria provided, single submitter. Criteria: CeGaT Center For Human Genetics Tuebingen Variant Classification Criteria Version 2. Collection method: clinical testing. Allele origin: germline. Affected: yes. Observed: 1 variant allele.
Comment: TBCE: PVS1:Strong, PM2